The following is an entry in ClinVar:

ClinVar aggregate classification (germline): Uncertain significance. Review status: criteria provided, multiple submitters, no conflicts (2 of 4 stars). 3 submissions from 3 submitters: Uncertain significance (3). Last evaluated 2025-10-17.

Conditions:
NBEAL2-related disorder. Also called: NBEAL2-related condition.
Inborn genetic diseases. Identifiers: MedGen C0950123, MeSH D030342.

gnomAD v4.1: 17 of 1,612,298 alleles (0.0011%); highest among the groups gnomAD compares: Middle Eastern, 0.049%; no homozygotes.

Submissions (3):

PreventionGenetics, part of Exact Sciences
Classification: Uncertain significance for NBEAL2-related condition. Last evaluated: 2025-10-17. Review status: criteria provided, single submitter. Criteria: ACMG Guidelines, 2015. Collection method: clinical testing. Allele origin: germline.
Comment: The NBEAL2 c.701G>A variant is predicted to result in the amino acid substitution p.Arg234Gln. To our knowledge, this variant has not been reported in the literature. This variant is reported in 0.016% of alleles in individuals of South Asian descent in gnomAD. At this time, the clinical significance of this variant is uncertain due to the absence of conclusive functional and genetic evidence.

Ambry Genetics
Classification: Uncertain significance for Inborn genetic diseases. Last evaluated: 2025-06-25. Review status: criteria provided, single submitter. Criteria: Ambry Variant Classification Scheme 2023. Collection method: clinical testing. Allele origin: germline.

Blueprint Genetics
Classification: Uncertain significance. Last evaluated: 2023-01-11. Review status: criteria provided, single submitter. Criteria: ACMG Guidelines, 2015. Collection method: clinical testing. Allele origin: germline.

NM_015175.3(NBEAL2):c.701G>A (p.Arg234Gln)

Gene: NBEAL2 (neurobeachin like 2; plus strand). Cytogenetic location: 3p21.31.
Variant type: single nucleotide variant.
Coding change: c.701G>A on transcript NM_015175.3 (MANE Select); coding-DNA position 701, G replaced by A.
Protein change: p.Arg234Gln; replaces arginine 234 with glutamine.
Molecular consequence: missense variant.
Genome position (GRCh38, 1-based): chr3:46,991,464, G>A. VCF-style: chr3-46991464-G-A. GRCh37 (hg19) VCF-style: chr3-47032954-G-A.
Other names: c.680G>A, p.Arg227Gln (NM_001365116.2); short protein forms R227Q, R234Q.
Identifiers: ClinVar variation 4117201 (VCV004117201.3).
Genomic context (GRCh38, chr3:46,991,464, plus strand): 5'-AGGAGAACGGGCAGATGGCTGTAAGTGATGGCTCTGTGAAGGGCCTGCTGAGTGTGGTGC[G>A]GGGCTGGAGCCGTGGGCCAGCCCCGGACCCGTGCCTAGTGCCACTGGCTCTAGAGGCACT-3'
Protein context (NP_055990.1, residues 224-244): GSVKGLLSVV[Arg234Gln]GWSRGPAPDP